The following is an entry in ClinVar:

ClinVar aggregate classification (germline): Pathogenic (1 of 4 stars; one submission).

Submission:

Labcorp Genetics (formerly Invitae), Labcorp
Classification: Pathogenic. Last evaluated: 2022-12-13. Review status: criteria provided, single submitter. Criteria: Invitae Variant Classification Sherloc (09022015). Collection method: clinical testing. Allele origin: germline.
Comment: For these reasons, this variant has been classified as Pathogenic. This variant has not been reported in the literature in individuals affected with SETBP1-related conditions. This variant is not present in population databases (gnomAD no frequency). This sequence change creates a premature translational stop signal (p.Trp80*) in the SETBP1 gene. It is expected to result in an absent or disrupted protein product. Loss-of-function variants in SETBP1 are known to be pathogenic (PMID: 21037274, 25217958).

Literature cited by the submitters: PubMed 21037274; PubMed 25217958.

NM_015559.3(SETBP1):c.240G>A (p.Trp80Ter)

Gene: SETBP1 (SET binding protein 1; plus strand). Cytogenetic location: 18q12.3.
Variant type: single nucleotide variant.
Coding change: c.240G>A on transcript NM_015559.3 (MANE Select); coding-DNA position 240, G replaced by A.
Protein change: p.Trp80Ter; replaces tryptophan 80 with a stop codon.
Molecular consequence: nonsense.
Genome position (GRCh38, 1-based): chr18:44,701,586, G>A. VCF-style: chr18-44701586-G-A. GRCh37 (hg19) VCF-style: chr18-42281551-G-A.
Other names: c.240G>A, p.Trp80Ter (NM_001130110.2, NM_001379141.1, NM_001379142.1 and 1 more transcripts); short protein forms W80*.
Identifiers: ClinVar variation 2820188 (VCV002820188.3), dbSNP rs2511333108, ClinGen allele CA402481732.